The following is an entry in ClinVar:

NM_000038.6(APC):c.6227dup (p.Thr2077fs)

Gene: APC (APC regulator of Wnt signaling pathway; plus strand). Cytogenetic location: 5q22.2.
Variant type: Duplication.
Coding change: c.6227dup on transcript NM_000038.6 (MANE Select); coding-DNA position 6227, one base duplicated (T; older notation c.6227dupT).
Protein change: p.Thr2077fs; shifts the reading frame from threonine 2077.
Molecular consequence: frameshift variant.
Genome position (GRCh38, 1-based): chr5:112,841,821, T duplicated. VCF-style (leftmost placement, unchanged base first): chr5-112841820-C-CT. GRCh37 (hg19) VCF-style: chr5-112177517-C-CT.
Other names: c.6227dup, p.Thr2077fs (NM_001127510.3, NM_001354895.2); c.6173dup, p.Thr2059fs (NM_001127511.3); c.6281dup, p.Thr2095fs (NM_001354896.2); c.6257dup, p.Thr2087fs (NM_001354897.2); c.6152dup, p.Thr2052fs (NM_001354898.2); c.6143dup, p.Thr2049fs (NM_001354899.2); c.6104dup, p.Thr2036fs (NM_001354900.2); c.6050dup, p.Thr2018fs (NM_001354901.2); and 16 more; short protein forms T1794fs, T1917fs, T1951fs, T1976fs, T1986fs, T2018fs, T2036fs, T2049fs.
Identifiers: ClinVar variation 2431337 (VCV002431337.2), dbSNP rs2533699518, ClinGen allele CA2580072306.

ClinVar aggregate classification (germline): Pathogenic (1 of 4 stars; one submission).

Conditions:
Familial adenomatous polyposis 1 (FAP1). Also called: FAMILIAL ADENOMATOUS POLYPOSIS 1, ATTENUATED; POLYPOSIS, ADENOMATOUS INTESTINAL. Identifiers: MedGen C2713442, MONDO:0021056, OMIM 175100. Disease mechanism: loss of function.

Submission:

Myriad Genetics, Inc.
Classification: Pathogenic for Familial adenomatous polyposis 1. Last evaluated: 2023-01-13. Review status: criteria provided, single submitter. Criteria: Myriad Autosomal Dominant, Autosomal Recessive and X-Linked Classification Criteria (2023). Collection method: clinical testing. Allele origin: unknown.
Comment: This variant is considered pathogenic. This variant creates a frameshift predicted to result in premature protein truncation.